The following is an entry in ClinVar:

NM_000492.4(CFTR):c.3014dup (p.Ala1006fs)

Genes: CFTR (CF transmembrane conductance regulator; plus strand), CFTR-AS2 (CFTR antisense RNA 2; minus strand), LOC111674472 (DNase I hypersensitive sites in introns 16 and 17a of CFTR; plus strand). Cytogenetic location: 7q31.2.
Variant type: Duplication.
Coding change: c.3014dup on transcript NM_000492.4 (MANE Select); coding-DNA position 3014, one base duplicated (T; older notation c.3014dupT).
Protein change: p.Ala1006fs; shifts the reading frame from alanine 1006.
Molecular consequence: frameshift variant.
Genome position (GRCh38, 1-based): chr7:117,610,544, T duplicated. VCF-style (leftmost placement, unchanged base first): chr7-117610543-A-AT. GRCh37 (hg19) VCF-style: chr7-117250597-A-AT.
Other names: c.3014dupT (NM_000492.3); short protein forms A1006fs.
Identifiers: ClinVar variation 837663 (VCV000837663.9), dbSNP rs1792366769, ClinGen allele CA916082312.

ClinVar aggregate classification (germline): Pathogenic/Likely pathogenic. Review status: criteria provided, multiple submitters, no conflicts (2 of 4 stars). 2 submissions from 2 submitters: Pathogenic (1); Likely pathogenic (1). Last evaluated 2023-01-27.

Conditions:
Cystic fibrosis (CF). Also called: MUCOVISCIDOSIS. Identifiers: Orphanet 586, MedGen C0010674, MONDO:0009061, OMIM 219700. Disease mechanism: loss of function.

Submissions (2):

Labcorp Genetics (formerly Invitae), Labcorp
Classification: Pathogenic for Cystic fibrosis. Last evaluated: 2023-01-27. Review status: criteria provided, single submitter. Criteria: Invitae Variant Classification Sherloc (09022015). Collection method: clinical testing. Allele origin: germline.
Comment: For these reasons, this variant has been classified as Pathogenic. ClinVar contains an entry for this variant (Variation ID: 837663). This variant has not been reported in the literature in individuals affected with CFTR-related conditions. This variant is not present in population databases (gnomAD no frequency). This sequence change creates a premature translational stop signal (p.Ala1006Serfs*41) in the CFTR gene. It is expected to result in an absent or disrupted protein product. Loss-of-function variants in CFTR are known to be pathogenic (PMID: 1695717, 7691345, 9725922).

Women's Health and Genetics/Laboratory Corporation of America, LabCorp
Classification: Likely pathogenic for Cystic fibrosis. Last evaluated: 2020-02-27. Review status: criteria provided, single submitter. Criteria: LabCorp Variant Classification Summary - May 2015. Collection method: clinical testing. Allele origin: germline.
Comment: Variant summary: CFTR c.3014dupT (p.Ala1006SerfsX41) results in a premature termination codon, predicted to cause a truncation of the encoded protein or absence of the protein due to nonsense mediated decay, which are commonly known mechanisms for disease. Truncations downstream of this position have been classified as pathogenic by our laboratory. The variant was absent in 251172 control chromosomes. To our knowledge, no occurrence of c.3014dupT in individuals affected with Cystic Fibrosis and no experimental evidence demonstrating its impact on protein function have been reported. No clinical diagnostic laboratories have submitted clinical-significance assessments for this variant to ClinVar after 2014. Based on the evidence outlined above, the variant was classified as likely pathogenic.

Literature cited by the submitters: PubMed 1695717 (cited by Labcorp Genetics (formerly Invitae), Labcorp); PubMed 7691345 (cited by Labcorp Genetics (formerly Invitae), Labcorp); PubMed 9725922 (cited by Labcorp Genetics (formerly Invitae), Labcorp).